The following is an entry in ClinVar:

NM_024009.3(GJB3):c.79G>A (p.Val27Met)

Gene: GJB3 (gap junction protein beta 3; plus strand). Cytogenetic location: 1p34.3.
Variant type: single nucleotide variant.
Coding change: c.79G>A on transcript NM_024009.3 (MANE Select); coding-DNA position 79, G replaced by A.
Protein change: p.Val27Met; replaces valine 27 with methionine.
Molecular consequence: missense variant.
Genome position (GRCh38, 1-based): chr1:34,784,841, G>A. VCF-style: chr1-34784841-G-A. GRCh37 (hg19) VCF-style: chr1-35250442-G-A.
Other names: c.79G>A, p.Val27Met (NM_001005752.2); c.79G>A (NM_024009.2); short protein forms V27M.
Identifiers: ClinVar variation 930512 (VCV000930512.9), dbSNP rs775072109, ClinGen allele CA754736.
Genomic context (GRCh38, chr1:34,784,841, plus strand): 5'-CAGGCCCTACTGAGCGGTGTGAACAAGTACTCCACAGCGTTCGGGCGCATCTGGCTGTCC[G>A]TGGTGTTCGTCTTCCGGGTGCTGGTATACGTGGTGGCTGCAGAGCGCGTGTGGGGGGATG-3'
Protein context (NP_076872.1, residues 17-37): STAFGRIWLS[Val27Met]VFVFRVLVYV

ClinVar aggregate classification (germline): Uncertain significance. Review status: criteria provided, multiple submitters, no conflicts (2 of 4 stars). 3 submissions from 3 submitters: Uncertain significance (3). Last evaluated 2026-04-01.

Conditions:
Erythrokeratodermia variabilis et progressiva 1 (EKVP1). Also called: ERYTHROKERATODERMIA VARIABILIS WITH ERYTHEMA GYRATUM REPENS; ERYTHROKERATODERMIA, PROGRESSIVE SYMMETRIC; ERYTHROKERATODERMIA FIGURATA, CONGENITAL FAMILIAL, IN PLAQUES. Identifiers: Orphanet 317, MedGen C4551486, MONDO:0033010, OMIM 133200.

Allele frequency attached by ClinVar (database versions not stated): gnomAD exomes 0.00004; ExAC 0.00003; TOPMed 0.00007; gnomAD 0.00013 and 0.00014.

Submissions (3):

GeneDx
Classification: Uncertain significance. Last evaluated: 2026-04-01. Review status: criteria provided, single submitter. Criteria: GeneDx Variant Classification Process June 2021. Collection method: clinical testing. Allele origin: germline.
Comment: Published functional studies demonstrated a reduction or loss of GJ-mediated ionic coupling (PMID: 22617145); In silico analysis suggests that this missense variant does not alter protein structure/function; This variant is associated with the following publications: (PMID: 22617145)

Labcorp Genetics (formerly Invitae), Labcorp
Classification: Uncertain significance. Last evaluated: 2022-01-18. Review status: criteria provided, single submitter. Criteria: Invitae Variant Classification Sherloc (09022015). Collection method: clinical testing. Allele origin: germline.
Comment: In summary, the available evidence is currently insufficient to determine the role of this variant in disease. Therefore, it has been classified as a Variant of Uncertain Significance. Experimental studies have shown that this missense change affects GJB3 function (PMID: 22617145). Algorithms developed to predict the effect of missense changes on protein structure and function are either unavailable or do not agree on the potential impact of this missense change (SIFT: "Deleterious"; PolyPhen-2: "Possibly Damaging"; Align-GVGD: "Class C0"). ClinVar contains an entry for this variant (Variation ID: 930512). This missense change has been observed in individual(s) with deafness (PMID: 22617145). This variant is present in population databases (rs775072109, gnomAD 0.03%). This sequence change replaces valine, which is neutral and non-polar, with methionine, which is neutral and non-polar, at codon 27 of the GJB3 protein (p.Val27Met).

Centre for Mendelian Genomics, University Medical Centre Ljubljana
Classification: Uncertain significance for Erythrokeratodermia variabilis et progressiva 1. Last evaluated: 2019-06-28. Review status: criteria provided, single submitter. Criteria: ACMG Guidelines, 2015. Collection method: clinical testing. Allele origin: unknown. Affected: yes.
Comment: This variant was classified as: Uncertain significance. The available evidence on this variant's pathogenicity is insufficient or conflicting. The following ACMG criteria were applied in classifying this variant: PP5.

Literature cited by the submitters: PubMed 22617145 (cited by Labcorp Genetics (formerly Invitae), Labcorp).